The following is an entry in ClinVar:

ClinVar aggregate classification (germline): Uncertain significance (1 of 4 stars; one submission).

Allele frequency attached by ClinVar (database versions not stated): TOPMed below 0.00001.

Submission:

Labcorp Genetics (formerly Invitae), Labcorp
Classification: Uncertain significance. Last evaluated: 2022-11-08. Review status: criteria provided, single submitter. Criteria: Invitae Variant Classification Sherloc (09022015). Collection method: clinical testing. Allele origin: germline.
Comment: In summary, the available evidence is currently insufficient to determine the role of this variant in disease. Therefore, it has been classified as a Variant of Uncertain Significance. Advanced modeling of protein sequence and biophysical properties (such as structural, functional, and spatial information, amino acid conservation, physicochemical variation, residue mobility, and thermodynamic stability) performed at Invitae indicates that this missense variant is not expected to disrupt LRP2 protein function. This variant has not been reported in the literature in individuals affected with LRP2-related conditions. This variant is not present in population databases (gnomAD no frequency). This sequence change replaces leucine, which is neutral and non-polar, with phenylalanine, which is neutral and non-polar, at codon 4455 of the LRP2 protein (p.Leu4455Phe).

NM_004525.3(LRP2):c.13365G>T (p.Leu4455Phe)

Gene: LRP2 (LDL receptor related protein 2; minus strand). Cytogenetic location: 2q31.1.
Variant type: single nucleotide variant.
Coding change: c.13365G>T on transcript NM_004525.3 (MANE Select); coding-DNA position 13365, G replaced by T.
Protein change: p.Leu4455Phe; replaces leucine 4455 with phenylalanine.
Molecular consequence: missense variant.
Genome position (GRCh38, 1-based): chr2:169,139,274, C>A on the plus strand (G>T on the coding strand, the complement: LRP2 is on the minus strand). VCF-style: chr2-169139274-C-A. GRCh37 (hg19) VCF-style: chr2-169995784-C-A.
Other names: short protein forms L4455F.
Identifiers: ClinVar variation 2132086 (VCV002132086.4), dbSNP rs1407354643, ClinGen allele CA349155529.